The following is an entry in ClinVar:

ClinVar aggregate classification (germline): Likely pathogenic (1 of 4 stars; one submission).

Conditions:
Hyperkalemic periodic paralysis. Also called: Familial hyperkalemic periodic paralysis; Gamstorp disease. Identifiers: Orphanet 682, MedGen C0238357, MONDO:0008224, OMIM 170500, HP:0007215.

Submission:

Labcorp Genetics (formerly Invitae), Labcorp
Classification: Likely pathogenic for Hyperkalemic periodic paralysis. Last evaluated: 2023-11-27. Review status: criteria provided, single submitter. Criteria: Invitae Variant Classification Sherloc (09022015). Collection method: clinical testing. Allele origin: germline.
Comment: This sequence change replaces valine, which is neutral and non-polar, with leucine, which is neutral and non-polar, at codon 1293 of the SCN4A protein (p.Val1293Leu). This variant is not present in population databases (gnomAD no frequency). This variant has not been reported in the literature in individuals affected with SCN4A-related conditions. Advanced modeling of protein sequence and biophysical properties (such as structural, functional, and spatial information, amino acid conservation, physicochemical variation, residue mobility, and thermodynamic stability) performed at Invitae indicates that this missense variant is expected to disrupt SCN4A protein function with a positive predictive value of 95%. This variant disrupts the p.Val1293 amino acid residue in SCN4A. Other variant(s) that disrupt this residue have been determined to be pathogenic (PMID: 8580427, 9660885, 11744749, 23771340, 24939454, 27486940). This suggests that this residue is clinically significant, and that variants that disrupt this residue are likely to be disease-causing. In summary, the currently available evidence indicates that the variant is pathogenic, but additional data are needed to prove that conclusively. Therefore, this variant has been classified as Likely Pathogenic.

Literature cited by the submitters: PubMed 8580427; PubMed 9660885; PubMed 11744749; PubMed 23771340; PubMed 24939454; PubMed 27486940.

NM_000334.4(SCN4A):c.3877G>C (p.Val1293Leu)

Genes: GH-LCR (growth hormone locus control region; plus strand), SCN4A (sodium voltage-gated channel alpha subunit 4; minus strand). Cytogenetic location: 17q23.3.
Variant type: single nucleotide variant.
Coding change: c.3877G>C on transcript NM_000334.4 (MANE Select); coding-DNA position 3877, G replaced by C.
Protein change: p.Val1293Leu; replaces valine 1293 with leucine.
Molecular consequence: missense variant.
Genome position (GRCh38, 1-based): chr17:63,944,708, C>G on the plus strand (G>C on the coding strand, the complement: SCN4A is on the minus strand). VCF-style: chr17-63944708-C-G. GRCh37 (hg19) VCF-style: chr17-62022068-C-G.
Other names: short protein forms V1293L.
Identifiers: ClinVar variation 2695290 (VCV002695290.3), dbSNP rs121908551, ClinGen allele CA400617290.
Genomic context (GRCh38, chr17:63,944,708, plus strand): 5'-CCCGAGGGGCTGGGCTGATACTCATCTTCTTCTTCTGCTGGTTGAAGTTGTCAATGATGA[C>G]GCCAATGAAGAGGTTGAGGGTGAAGAAGGAGCCAAAGATGATGAAGATGACAAAGTAGAG-3'
Protein context (NP_000325.4, residues 1283-1303): SFFTLNLFIG[Val1293Leu]IIDNFNQQKK